The following is an entry in ClinVar:

NM_001023570.4(IQCB1):c.1295C>T (p.Ala432Val)

Gene: IQCB1 (IQ motif containing B1; minus strand). Cytogenetic location: 3q13.33.
Variant type: single nucleotide variant.
Coding change: c.1295C>T on transcript NM_001023570.4 (MANE Select); coding-DNA position 1295, C replaced by T.
Protein change: p.Ala432Val; replaces alanine 432 with valine.
Molecular consequence: missense variant. On other transcripts: non-coding transcript variant (1).
Genome position (GRCh38, 1-based): chr3:121,781,858, G>A on the plus strand (C>T on the coding strand, the complement: IQCB1 is on the minus strand). VCF-style: chr3-121781858-G-A. GRCh37 (hg19) VCF-style: chr3-121500705-G-A.
Other names: c.896C>T, p.Ala299Val (NM_001023571.4); c.1295C>T, p.Ala432Val (NM_001319107.2); short protein forms A432V, A299V.
Identifiers: ClinVar variation 1414670 (VCV001414670.8), dbSNP rs150129899, ClinGen allele CA2567132.
Genomic context (GRCh38, chr3:121,781,858, plus strand): 5'-TCAGTGAGTTCTTGGAGTCCTCGCCAAGGAGCAAATAGTTTCTTTTTCTTACGGCACTTC[G>A]CTAGGAATTTAAGCGCCTGGAAGAAAAAAAATTGAAGGTTTGTGATTTTTCTCCCCTAAC-3'
Protein context (NP_001018864.2, residues 422-442): TLQRAALKFL[Ala432Val]KCRKKKKLFA

ClinVar aggregate classification (germline): Uncertain significance (1 of 4 stars; one submission).

Conditions:
Nephronophthisis. Also called: Juvenile Nephronophthisis. Identifiers: Orphanet 655, MedGen C0687120, MONDO:0019005, HP:0000090.

Allele frequency attached by ClinVar (database versions not stated): gnomAD 0.00001; gnomAD exomes 0.00001; TOPMed 0.00001; ExAC 0.00003; ESP Exome Variant Server 0.00008.
gnomAD v4.1: 13 of 1,613,190 alleles (0.00081%); highest among the groups gnomAD compares: East Asian, 0.0045%; no homozygotes.

Submission:

Labcorp Genetics (formerly Invitae), Labcorp
Classification: Uncertain significance for Nephronophthisis. Last evaluated: 2021-02-24. Review status: criteria provided, single submitter. Criteria: Invitae Variant Classification Sherloc (09022015). Collection method: clinical testing. Allele origin: germline.
Comment: In summary, the available evidence is currently insufficient to determine the role of this variant in disease. Therefore, it has been classified as a Variant of Uncertain Significance. Algorithms developed to predict the effect of missense changes on protein structure and function (SIFT, PolyPhen-2, Align-GVGD) all suggest that this variant is likely to be tolerated, but these predictions have not been confirmed by published functional studies and their clinical significance is uncertain. This variant has not been reported in the literature in individuals with IQCB1-related conditions. This variant is present in population databases (rs150129899, ExAC 0.01%). This sequence change replaces alanine with valine at codon 432 of the IQCB1 protein (p.Ala432Val). The alanine residue is moderately conserved and there is a small physicochemical difference between alanine and valine.